The following is an entry in ClinVar:

NM_001371596.2(MFSD8):c.894T>G (p.Tyr298Ter)

Gene: MFSD8 (major facilitator superfamily domain containing 8; minus strand). Cytogenetic location: 4q28.2.
Variant type: single nucleotide variant.
Coding change: c.894T>G on transcript NM_001371596.2 (MANE Select); coding-DNA position 894, T replaced by G.
Protein change: p.Tyr298Ter; replaces tyrosine 298 with a stop codon.
Molecular consequence: nonsense.
Genome position (GRCh38, 1-based): chr4:127,930,787, A>C on the plus strand (T>G on the coding strand, the complement: MFSD8 is on the minus strand). VCF-style: chr4-127930787-A-C. GRCh37 (hg19) VCF-style: chr4-128851942-A-C.
Other names: c.894T>G (NM_152778.3); c.693T>G, p.Tyr231Ter (NM_001363520.3); c.579T>G, p.Tyr193Ter (NM_001363521.3); c.759T>G, p.Tyr253Ter (NM_001371590.2); c.894T>G, p.Tyr298Ter (NM_001371591.2, NM_152778.4); c.900T>G, p.Tyr300Ter (NM_001371592.2); c.780T>G, p.Tyr260Ter (NM_001371593.2, NM_001410766.1); c.747T>G, p.Tyr249Ter (NM_001371594.2); and 2 more; short protein forms Y298*, Y193*, Y231*, Y204*, Y249*, Y253*, Y260*, Y300*.
Identifiers: ClinVar variation 1003 (VCV000001003.14), dbSNP rs118203977, ClinGen allele CA251661.

ClinVar aggregate classification (germline): Pathogenic. Review status: criteria provided, multiple submitters, no conflicts (2 of 4 stars). 5 submissions from 5 submitters: Pathogenic (4). 1 of the submissions does not count toward it. Last evaluated 2025-11-05.

Conditions:
Late-infantile neuronal ceroid lipofuscinosis. Also called: Jansky-Bielschowsky disease. Identifiers: MedGen C0022340, MONDO:0015674.
Neuronal ceroid lipofuscinosis 7 (CLN7). Also called: MFSD8-Related Neuronal Ceroid-Lipofuscinosis. Identifiers: Orphanet 168491, Orphanet 228366, MedGen C1838571, MONDO:0012588, OMIM 610951.
Macular dystrophy with central cone involvement (CCMD). Identifiers: MedGen C4015371, MONDO:0014515, OMIM 616170.

gnomAD v4.1: 6 of 1,612,184 alleles (0.00037%); highest among the groups gnomAD compares: South Asian, 0.0066%; no homozygotes.

Submissions (5):

Labcorp Genetics (formerly Invitae), Labcorp
Classification: Pathogenic for Neuronal ceroid lipofuscinosis 7. Last evaluated: 2025-11-05. Review status: criteria provided, single submitter. Criteria: Invitae Variant Classification Sherloc (09022015). Collection method: clinical testing. Allele origin: germline.
Comment: This sequence change creates a premature translational stop signal (p.Tyr298*) in the MFSD8 gene. It is expected to result in an absent or disrupted protein product. Loss-of-function variants in MFSD8 are known to be pathogenic (PMID: 19177532, 25227500, 28586915). This variant is present in population databases (rs118203977, gnomAD 0.003%). This premature translational stop signal has been observed in individual(s) with neuronal ceroid lipofuscinosis (PMID: 17564970). ClinVar contains an entry for this variant (Variation ID: 1003). Algorithms developed to predict the effect of sequence changes on RNA splicing suggest that this variant may disrupt the consensus splice site. For these reasons, this variant has been classified as Pathogenic.

Natera, Inc.
Classification: Pathogenic for Late-infantile neuronal ceroid lipofuscinosis. Last evaluated: 2024-11-09. Review status: criteria provided, single submitter. Criteria: Natera Variant Classification Schema (03/2026). Collection method: clinical testing. Allele origin: germline.
Comment: The c.894T>G variant in MFSD8 is a nonsense variant predicted to introduce a stop codon at amino acid 298. This variant is expected to result in nonsense mediated decay, truncation, or a dysfunctional protein product. This variant is rare in the general population with a frequency below the threshold expected for the associated phenotype(s). This variant has been observed in one or more individuals affected with the associated recessive disease, as either homozygous or compound heterozygous with a second variant (PMID: 17564970, 34849271). Given the available evidence, this variant is classified as Pathogenic.

Fulgent Genetics
Classification: Pathogenic for Neuronal ceroid lipofuscinosis 7; Macular dystrophy with central cone involvement. Last evaluated: 2024-03-06. Review status: criteria provided, single submitter. Criteria: ACMG Guidelines, 2015. Collection method: clinical testing. Allele origin: germline.

Revvity Omics, Revvity
Classification: Pathogenic. Last evaluated: 2022-12-21. Review status: criteria provided, single submitter. Criteria: ACMG Guidelines, 2015. Collection method: clinical testing. Allele origin: germline.

OMIM
Classification: Pathogenic for CEROID LIPOFUSCINOSIS, NEURONAL, 7. Last evaluated: 2007-07-01. Review status: no assertion criteria provided. Collection method: literature only. Allele origin: germline. Not counted in ClinVar's aggregate classification.

Literature cited by the submitters: PubMed 19177532 (cited by Labcorp Genetics (formerly Invitae), Labcorp); PubMed 25227500 (cited by Labcorp Genetics (formerly Invitae), Labcorp); PubMed 28586915 (cited by Labcorp Genetics (formerly Invitae), Labcorp); PubMed 17564970 (cited by 3 submitters); PubMed 34849271 (cited by Natera, Inc.).